The following is an entry in ClinVar:

ClinVar aggregate classification (germline): Conflicting classifications of pathogenicity. Review status: criteria provided, conflicting classifications (1 of 4 stars). 5 submissions from 5 submitters: Uncertain significance (1); Benign (1); Likely benign (2). 1 of the submissions does not count toward it. Last evaluated 2026-01-21.

Conditions:
ABCA3-related disorder. Also called: ABCA3-related condition.
Hereditary pulmonary alveolar proteinosis. Also called: Pulmonary surfactant metabolism dysfunction. Identifiers: Orphanet 264675, MedGen C3711368, MONDO:0012580.
Interstitial lung disease due to ABCA3 deficiency. Also called: PULMONARY ALVEOLAR PROTEINOSIS, CONGENITAL, 3. Identifiers: Orphanet 440402, MedGen C1970456, MONDO:0012582, OMIM 610921.

Allele frequency attached by ClinVar (database versions not stated): ESP Exome Variant Server 0.00015; gnomAD 0.00015 and 0.00025; TOPMed 0.00018; 1000 Genomes Project 30x 0.00031; gnomAD exomes 0.00034 and 0.00036; ExAC 0.00036; 1000 Genomes Project 0.00040.
gnomAD v4.1: 527 of 1,613,456 alleles (0.033%); highest among the groups gnomAD compares: East Asian, 0.8%; 7 homozygotes.

Submissions (5):

Labcorp Genetics (formerly Invitae), Labcorp
Classification: Benign. Last evaluated: 2026-01-21. Review status: criteria provided, single submitter. Criteria: Invitae Variant Classification Sherloc (09022015). Collection method: clinical testing. Allele origin: germline.

Ambry Genetics
Classification: Likely benign for Hereditary pulmonary alveolar proteinosis. Last evaluated: 2024-11-03. Review status: criteria provided, single submitter. Criteria: Ambry Variant Classification Scheme 2023. Collection method: clinical testing. Allele origin: germline.

Blueprint Genetics
Classification: Likely benign. Last evaluated: 2024-09-12. Review status: criteria provided, single submitter. Criteria: ACMG Guidelines, 2015. Collection method: clinical testing. Allele origin: germline.

Illumina Laboratory Services, Illumina
Classification: Uncertain significance for Interstitial lung disease due to ABCA3 deficiency. Last evaluated: 2018-01-13. Review status: criteria provided, single submitter. Criteria: ICSL Variant Classification Criteria 13 December 2019. Collection method: clinical testing. Allele origin: germline.

PreventionGenetics, part of Exact Sciences
Classification: Likely benign for ABCA3-related condition. Last evaluated: 2024-09-10. Review status: no assertion criteria provided. Collection method: clinical testing. Allele origin: germline. Not counted in ClinVar's aggregate classification.
Comment: This variant is classified as likely benign based on ACMG/AMP sequence variant interpretation guidelines (Richards et al. 2015 PMID: 25741868, with internal and published modifications).

NM_001089.3(ABCA3):c.3984G>T (p.Leu1328=)

Gene: ABCA3 (ATP binding cassette subfamily A member 3; minus strand). Cytogenetic location: 16p13.3.
Variant type: single nucleotide variant.
Coding change: c.3984G>T on transcript NM_001089.3 (MANE Select); coding-DNA position 3984, G replaced by T.
Protein change: p.Leu1328=; no amino-acid change (leucine 1328 retained).
Molecular consequence: synonymous variant.
Genome position (GRCh38, 1-based): chr16:2,283,237, C>A on the plus strand (G>T on the coding strand, the complement: ABCA3 is on the minus strand). VCF-style: chr16-2283237-C-A. GRCh37 (hg19) VCF-style: chr16-2333238-C-A.
Identifiers: ClinVar variation 318403 (VCV000318403.15), dbSNP rs149050142, ClinGen allele CA7840316.